The following is an entry in ClinVar:

NM_001378969.1(KCND3):c.905G>C (p.Arg302Pro)

Gene: KCND3 (potassium voltage-gated channel subfamily D member 3; minus strand). Cytogenetic location: 1p13.2.
Variant type: single nucleotide variant.
Coding change: c.905G>C on transcript NM_001378969.1 (MANE Select); coding-DNA position 905, G replaced by C.
Protein change: p.Arg302Pro; replaces arginine 302 with proline.
Molecular consequence: missense variant.
Genome position (GRCh38, 1-based): chr1:111,981,822, C>G on the plus strand (G>C on the coding strand, the complement: KCND3 is on the minus strand). VCF-style: chr1-111981822-C-G. GRCh37 (hg19) VCF-style: chr1-112524444-C-G.
Other names: c.905G>C, p.Arg302Pro (NM_001378970.1, NM_004980.5, NM_172198.3); short protein forms R302P.
Identifiers: ClinVar variation 1699176 (VCV001699176.3), dbSNP rs2101995572, ClinGen allele CA341821097.
Genomic context (GRCh38, chr1:111,981,822, plus strand): 5'-CCCAGTTCGGAGGCACAGCTCTTCAGTGTGTAGCCCAGGATCCGCAGGCCCTGGGAGTGG[C>G]GGGAAAACTTGAAGATCCTGAAGACGCGGAAGACCCGGAGCGTGACGAAGGCGCCGGACA-3'
Protein context (NP_001365898.1, residues 292-312): FRVFRIFKFS[Arg302Pro]HSQGLRILGY

ClinVar aggregate classification (germline): Likely pathogenic (1 of 4 stars; one submission).

Conditions:
Spinocerebellar ataxia type 19/22 (SCA19). Also called: SPINOCEREBELLAR ATAXIA 19; SPINOCEREBELLAR ATAXIA 22. Identifiers: Orphanet 98772, MedGen C1846367, MONDO:0011819, OMIM 607346.

Submission:

Victorian Clinical Genetics Services, Murdoch Childrens Research Institute
Classification: Likely pathogenic for Spinocerebellar ataxia type 19/22. Last evaluated: 2020-05-21. Review status: criteria provided, single submitter. Criteria: ACMG Guidelines, 2015. Collection method: clinical testing. Allele origin: germline. Inheritance: Autosomal dominant inheritance. Affected: yes.
Comment: A heterozygous missense variant was identified NM_004980.4(KCND3):c.905G>C in exon 2 of 8 of the KCND3 gene. This substitution is predicted to create a major amino acid change from arginine to proline at position 302 of the protein, NP_004971.2(KCND3):p.(Arg302Pro). The arginine at this position has very high conservation (100 vertebrates, UCSC), and is located within the ion transporter functional domain. Functional studies show that changing this residue to an alanine, resulted in reductions in destabilization of the open state and a significant shift to depolarization (Skerritt, M. R. and D. L. Campbell (2007)). In silico software predicts this variant to be disease causing (Polyphen, SIFT, CADD, Mutation Taster). The variant is not present in the gnomAD population database. The variant has not been previously reported in a clinical testing setting. Subsequent analysis of parental samples indicated that this variant is de novo. Based on information available at the time of curation, this variant has been reclassified as LIKELY PATHOGENIC

Literature cited by the submitters: PubMed 17581856.